The following is an entry in ClinVar:

ClinVar aggregate classification (germline): Uncertain significance (1 of 4 stars; one submission).

Conditions:
Renal carnitine transport defect (CDSP). Also called: CARNITINE DEFICIENCY, SYSTEMIC, DUE TO DEFECT IN RENAL REABSORPTION OF CARNITINE; CARNITINE TRANSPORTER, PLASMA-MEMBRANE, DEFICIENCY OF; CARNITINE UPTAKE DEFECT; Systemic primary carnitine deficiency disease; Systemic primary carnitine deficiency; Carnitine transporter deficiency. Identifiers: Orphanet 158, MedGen C0342788, MONDO:0008919, OMIM 212140.

Submission:

Labcorp Genetics (formerly Invitae), Labcorp
Classification: Uncertain significance for Renal carnitine transport defect. Last evaluated: 2022-04-09. Review status: criteria provided, single submitter. Criteria: Invitae Variant Classification Sherloc (09022015). Collection method: clinical testing. Allele origin: germline.
Comment: This sequence change replaces phenylalanine, which is neutral and non-polar, with leucine, which is neutral and non-polar, at codon 189 of the SLC22A5 protein (p.Phe189Leu). This variant is not present in population databases (gnomAD no frequency). This variant has not been reported in the literature in individuals affected with SLC22A5-related conditions. Advanced modeling of protein sequence and biophysical properties (such as structural, functional, and spatial information, amino acid conservation, physicochemical variation, residue mobility, and thermodynamic stability) performed at Invitae indicates that this missense variant is expected to disrupt SLC22A5 protein function. In summary, the available evidence is currently insufficient to determine the role of this variant in disease. Therefore, it has been classified as a Variant of Uncertain Significance.

NM_003060.4(SLC22A5):c.565T>C (p.Phe189Leu)

Gene: SLC22A5 (solute carrier family 22 member 5; plus strand). Cytogenetic location: 5q31.1.
Variant type: single nucleotide variant.
Coding change: c.565T>C on transcript NM_003060.4 (MANE Select); coding-DNA position 565, T replaced by C.
Protein change: p.Phe189Leu; replaces phenylalanine 189 with leucine.
Molecular consequence: missense variant.
Genome position (GRCh38, 1-based): chr5:132,384,214, T>C. VCF-style: chr5-132384214-T-C. GRCh37 (hg19) VCF-style: chr5-131719906-T-C.
Other names: c.637T>C, p.Phe213Leu (NM_001308122.2); short protein forms F189L, F213L.
Identifiers: ClinVar variation 1951950 (VCV001951950.3), dbSNP rs2405518, ClinGen allele CA127208797.